The following is an entry in ClinVar:

NM_182961.4(SYNE1):c.23288A>G (p.Glu7763Gly)

Gene: SYNE1 (spectrin repeat containing nuclear envelope protein 1; minus strand). Cytogenetic location: 6q25.2.
Variant type: single nucleotide variant.
Coding change: c.23288A>G on transcript NM_182961.4 (MANE Select); coding-DNA position 23288, A replaced by G.
Protein change: p.Glu7763Gly; replaces glutamic acid 7763 with glycine.
Molecular consequence: missense variant.
Genome position (GRCh38, 1-based): chr6:152,189,265, T>C on the plus strand (A>G on the coding strand, the complement: SYNE1 is on the minus strand). VCF-style: chr6-152189265-T-C. GRCh37 (hg19) VCF-style: chr6-152510400-T-C.
Other names: p.Glu7763Gly; c.23075A>G, p.Glu7692Gly (NM_033071.5); short protein forms E7692G, E7763G.
Identifiers: ClinVar variation 1342176 (VCV001342176.9), dbSNP rs765427429, ClinGen allele CA4053647.

ClinVar aggregate classification (germline): Uncertain significance. Review status: criteria provided, multiple submitters, no conflicts (2 of 4 stars). 2 submissions from 2 submitters: Uncertain significance (2). Last evaluated 2025-01-06.

Conditions:
Emery-Dreifuss muscular dystrophy 4, autosomal dominant (EDMD4). Also called: EMERY-DREIFUSS MUSCULAR DYSTROPHY 4 WITH VARIABLE FEATURES. Identifiers: Orphanet 261, MedGen C2751807, MONDO:0013071, OMIM 612998.
Autosomal recessive ataxia, Beauce type. Also called: SYNE1-Related Autosomal Recessive Cerebellar Ataxia; SYNE1 Deficiency; Spinocerebellar ataxia, autosomal recessive 8; ATAXIA, RECESSIVE, OF BEAUCE. Identifiers: Orphanet 88644, MedGen C1853116, MONDO:0012549, OMIM 610743.

Allele frequency attached by ClinVar (database versions not stated): gnomAD exomes 0.00001 and 0.00002; ExAC 0.00003; gnomAD 0.00001.
gnomAD v4.1: 12 of 1,613,778 alleles (0.00074%); highest among the groups gnomAD compares: South Asian, 0.0011%; no homozygotes.

Submissions (2):

Labcorp Genetics (formerly Invitae), Labcorp
Classification: Uncertain significance for Emery-Dreifuss muscular dystrophy 4, autosomal dominant; Autosomal recessive ataxia, Beauce type. Last evaluated: 2025-01-06. Review status: criteria provided, single submitter. Criteria: Invitae Variant Classification Sherloc (09022015). Collection method: clinical testing. Allele origin: germline.
Comment: This sequence change replaces glutamic acid, which is acidic and polar, with glycine, which is neutral and non-polar, at codon 7692 of the SYNE1 protein (p.Glu7692Gly). This variant is present in population databases (rs765427429, gnomAD 0.006%). This variant has not been reported in the literature in individuals affected with SYNE1-related conditions. ClinVar contains an entry for this variant (Variation ID: 1342176). An algorithm developed to predict the effect of missense changes on protein structure and function (PolyPhen-2) suggests that this variant is likely to be disruptive. In summary, the available evidence is currently insufficient to determine the role of this variant in disease. Therefore, it has been classified as a Variant of Uncertain Significance.

Foundation for Research in Genetics and Endocrinology, FRIGE's Institute of Human Genetics
Classification: Uncertain significance for Emery-Dreifuss muscular dystrophy 4, autosomal dominant. Last evaluated: 2021-07-15. Review status: criteria provided, single submitter. Criteria: ACMG Guidelines, 2015. Collection method: clinical testing. Allele origin: germline. Inheritance: Autosomal dominant inheritance. Affected: yes. Observed: 1 heterozygote.
Comment: A heterozygous missense variation in exon 128 of the SYNE1 gene that results in the amino acid substitution of Glycine for Glutamic acid at codon 7763 was detected. The observed variant c.23288A>G (p.Glu7763Gly) has not been reported in the 1000 genomes and has a minor allele frequency of 0.0007% in the gnomAD database. The in silico prediction of the variant are possibly damaging by PolyPhen-2 (HumDiv) and damaging by SIFT, LRT and MutationTaster2. The reference codon is conserved across species. In summary, the variant meets our criteria to be classified as a variant of uncertain significance.